The following is an entry in ClinVar:

ClinVar aggregate classification (germline): Benign. Review status: criteria provided, single submitter (1 of 4 stars). 2 submissions from 2 submitters: Benign (1). 1 of the submissions does not count toward it. Last evaluated 2025-10-22.

Conditions:
PIKFYVE-related disorder. Also called: PIKFYVE-related condition.

Allele frequency attached by ClinVar (database versions not stated): TOPMed 0.00002; gnomAD 0.00009; gnomAD exomes 0.00019; ExAC 0.00046; 1000 Genomes Project 30x 0.00047; 1000 Genomes Project 0.00060.
gnomAD v4.1: 291 of 1,603,124 alleles (0.018%); highest among the groups gnomAD compares: South Asian, 0.31%; 6 homozygotes.

Submissions (2):

Labcorp Genetics (formerly Invitae), Labcorp
Classification: Benign. Last evaluated: 2025-10-22. Review status: criteria provided, single submitter. Criteria: Invitae Variant Classification Sherloc (09022015). Collection method: clinical testing. Allele origin: germline.

PreventionGenetics, part of Exact Sciences
Classification: Likely benign for PIKFYVE-related condition. Last evaluated: 2019-07-02. Review status: no assertion criteria provided. Collection method: clinical testing. Allele origin: germline. Not counted in ClinVar's aggregate classification.
Comment: This variant is classified as likely benign based on ACMG/AMP sequence variant interpretation guidelines (Richards et al. 2015 PMID: 25741868, with internal and published modifications).

NM_015040.4(PIKFYVE):c.4257-3T>C

Gene: PIKFYVE (phosphoinositide kinase, FYVE-type zinc finger containing; plus strand). Cytogenetic location: 2q34.
Variant type: single nucleotide variant.
Coding change: c.4257-3T>C on transcript NM_015040.4 (MANE Select); 3 bases into the intron before coding-DNA position 4257, T replaced by C.
Molecular consequence: intron variant.
Genome position (GRCh38, 1-based): chr2:208,335,790, T>C. VCF-style: chr2-208335790-T-C. GRCh37 (hg19) VCF-style: chr2-209200514-T-C.
Identifiers: ClinVar variation 3042499 (VCV003042499.3), dbSNP rs573664098, ClinGen allele CA2080274.